The following is an entry in ClinVar:

NM_004380.3(CREBBP):c.282C>T (p.Pro94=)

Gene: CREBBP (CREB binding lysine acetyltransferase; minus strand). Cytogenetic location: 16p13.3.
Variant type: single nucleotide variant.
Coding change: c.282C>T on transcript NM_004380.3 (MANE Select); coding-DNA position 282, C replaced by T.
Protein change: p.Pro94=; no amino-acid change (proline 94 retained).
Molecular consequence: synonymous variant.
Genome position (GRCh38, 1-based): chr16:3,850,813, G>A on the plus strand (C>T on the coding strand, the complement: CREBBP is on the minus strand). VCF-style: chr16-3850813-G-A. GRCh37 (hg19) VCF-style: chr16-3900814-G-A.
Other names: c.282C>T (NM_004380.2); c.282C>T, p.Pro94= (NM_001079846.1).
Identifiers: ClinVar variation 2155333 (VCV002155333.5), dbSNP rs778686287, ClinGen allele CA7870704.

ClinVar aggregate classification (germline): Likely benign. Review status: criteria provided, single submitter (1 of 4 stars). 2 submissions from 2 submitters: Likely benign (1). 1 of the submissions does not count toward it. Last evaluated 2025-04-07.

Conditions:
Rubinstein-Taybi syndrome (RSTS). Identifiers: Orphanet 783, MedGen C0035934, MONDO:0019188.
CREBBP-related disorder. Also called: CREBBP-related disorders; CREBBP-related condition.

Allele frequency attached by ClinVar (database versions not stated): TOPMed 0.00002; gnomAD 0.00003.
gnomAD v4.1: 20 of 1,613,946 alleles (0.0012%); highest among the groups gnomAD compares: Admixed American, 0.005%; no homozygotes.

Submissions (2):

Labcorp Genetics (formerly Invitae), Labcorp
Classification: Likely benign for Rubinstein-Taybi syndrome. Last evaluated: 2025-04-07. Review status: criteria provided, single submitter. Criteria: Invitae Variant Classification Sherloc (09022015). Collection method: clinical testing. Allele origin: germline.

PreventionGenetics, part of Exact Sciences
Classification: Likely benign for CREBBP-related condition. Last evaluated: 2024-09-03. Review status: no assertion criteria provided. Collection method: clinical testing. Allele origin: germline. Not counted in ClinVar's aggregate classification.
Comment: This variant is classified as likely benign based on ACMG/AMP sequence variant interpretation guidelines (Richards et al. 2015 PMID: 25741868, with internal and published modifications).